The following is an entry in ClinVar:

ClinVar aggregate classification (germline): Uncertain significance (1 of 4 stars; one submission).

Conditions:
Autoimmune lymphoproliferative syndrome type 2A (ALPS2A). Also called: CASP10-Related Autoimmune Lymphoproliferative Syndrome; AUTOIMMUNE LYMPHOPROLIFERATIVE SYNDROME, TYPE IIA; Autoimmune lymphoproliferative syndrome type 2. Identifiers: Orphanet 3261, MedGen C1858968, MONDO:0011383, OMIM 603909.

gnomAD v4.1: 1 of 1,614,158 alleles (0.000062%); highest among the groups gnomAD compares: Admixed American, 0.0017%; no homozygotes.

Submission:

Labcorp Genetics (formerly Invitae), Labcorp
Classification: Uncertain significance for Autoimmune lymphoproliferative syndrome type 2A. Last evaluated: 2024-12-31. Review status: criteria provided, single submitter. Criteria: Invitae Variant Classification Sherloc (09022015). Collection method: clinical testing. Allele origin: germline.
Comment: This sequence change replaces glutamic acid, which is acidic and polar, with glycine, which is neutral and non-polar, at codon 53 of the CASP10 protein (p.Glu53Gly). This variant is present in population databases (no rsID available, gnomAD 0.003%). This variant has not been reported in the literature in individuals affected with CASP10-related conditions. An algorithm developed to predict the effect of missense changes on protein structure and function (PolyPhen-2) suggests that this variant is likely to be tolerated. In summary, the available evidence is currently insufficient to determine the role of this variant in disease. Therefore, it has been classified as a Variant of Uncertain Significance.

NM_032977.4(CASP10):c.158A>G (p.Glu53Gly)

Gene: CASP10 (caspase 10; plus strand). Cytogenetic location: 2q33.1.
Variant type: single nucleotide variant.
Coding change: c.158A>G on transcript NM_032977.4 (MANE Select); coding-DNA position 158, A replaced by G.
Protein change: p.Glu53Gly; replaces glutamic acid 53 with glycine.
Molecular consequence: missense variant.
Genome position (GRCh38, 1-based): chr2:201,185,935, A>G. VCF-style: chr2-201185935-A-G. GRCh37 (hg19) VCF-style: chr2-202050658-A-G.
Other names: c.158A>G, p.Glu53Gly (NM_001206524.2, NM_001206542.2, NM_001230.5 and 3 more transcripts); short protein forms E53G.
Identifiers: ClinVar variation 3757016 (VCV003757016.2).